The following is an entry in ClinVar:

NM_198271.5(LMOD3):c.788T>C (p.Ile263Thr)

Gene: LMOD3 (leiomodin 3; minus strand). Cytogenetic location: 3p14.1.
Variant type: single nucleotide variant.
Coding change: c.788T>C on transcript NM_198271.5 (MANE Select); coding-DNA position 788, T replaced by C.
Protein change: p.Ile263Thr; replaces isoleucine 263 with threonine.
Molecular consequence: missense variant.
Genome position (GRCh38, 1-based): chr3:69,119,567, A>G on the plus strand (T>C on the coding strand, the complement: LMOD3 is on the minus strand). VCF-style: chr3-69119567-A-G. GRCh37 (hg19) VCF-style: chr3-69168718-A-G.
Other names: c.788T>C, p.Ile263Thr (NM_001304418.3); short protein forms I263T.
Identifiers: ClinVar variation 475333 (VCV000475333.16), dbSNP rs9835034, ClinGen allele CA2488922.

ClinVar aggregate classification (germline): Conflicting classifications of pathogenicity. Review status: criteria provided, conflicting classifications (1 of 4 stars). 4 submissions from 4 submitters: Uncertain significance (1); Likely benign (3). Last evaluated 2026-02-01.

Conditions:
LMOD3-related disorder. Also called: LMOD3-related condition.
Nemaline myopathy 10 (NEM10). Identifiers: MedGen C4015360, MONDO:0014513, OMIM 616165.

Allele frequency attached by ClinVar (database versions not stated): 1000 Genomes Project 0.00140; 1000 Genomes Project 30x 0.00141; TOPMed 0.00239; ESP Exome Variant Server 0.00240.
gnomAD v4.1: 619 of 1,613,792 alleles (0.038%); highest among the groups gnomAD compares: African/African-American, 0.68%; 2 homozygotes.

Submissions (4):

Labcorp Genetics (formerly Invitae), Labcorp
Classification: Likely benign for Nemaline myopathy 10. Last evaluated: 2026-02-01. Review status: criteria provided, single submitter. Criteria: Invitae Variant Classification Sherloc (09022015). Collection method: clinical testing. Allele origin: germline.

PreventionGenetics, part of Exact Sciences
Classification: Likely benign for LMOD3-related condition. Last evaluated: 2024-10-24. Review status: criteria provided, single submitter. Criteria: ACMG Guidelines, 2015. Collection method: clinical testing. Allele origin: germline.
Comment: This variant is classified as likely benign based on ACMG/AMP sequence variant interpretation guidelines (Richards et al. 2015 PMID: 25741868, with internal and published modifications).

GeneDx
Classification: Likely benign. Last evaluated: 2020-03-06. Review status: criteria provided, single submitter. Criteria: GeneDx Variant Classification Process June 2021. Collection method: clinical testing. Allele origin: germline. Affected: yes.

Baylor Genetics
Classification: Uncertain significance for Nemaline myopathy 10. Last evaluated: 2018-02-21. Review status: criteria provided, single submitter. Criteria: ACMG Guidelines, 2015. Collection method: clinical testing. Allele origin: paternal. Affected: yes.
Comment: This variant was determined to be of uncertain significance according to ACMG Guidelines, 2015 [PMID:25741868].